The following is an entry in ClinVar:

NM_182961.4(SYNE1):c.20862+5T>A

Gene: SYNE1 (spectrin repeat containing nuclear envelope protein 1; minus strand). Cytogenetic location: 6q25.2.
Variant type: single nucleotide variant.
Coding change: c.20862+5T>A on transcript NM_182961.4 (MANE Select); 5 bases into the intron after coding-DNA position 20862, T replaced by A.
Molecular consequence: intron variant.
Genome position (GRCh38, 1-based): chr6:152,232,111, A>T on the plus strand (T>A on the coding strand, the complement: SYNE1 is on the minus strand). VCF-style: chr6-152232111-A-T. GRCh37 (hg19) VCF-style: chr6-152553246-A-T.
Other names: c.20649+5T>A (NM_033071.5).
Identifiers: ClinVar variation 1910230 (VCV001910230.4), dbSNP rs753177718, ClinGen allele CA571129080.

ClinVar aggregate classification (germline): Uncertain significance (1 of 4 stars; one submission).

Conditions:
Emery-Dreifuss muscular dystrophy 4, autosomal dominant (EDMD4). Also called: EMERY-DREIFUSS MUSCULAR DYSTROPHY 4 WITH VARIABLE FEATURES. Identifiers: Orphanet 261, MedGen C2751807, MONDO:0013071, OMIM 612998.
Autosomal recessive ataxia, Beauce type. Also called: SYNE1-Related Autosomal Recessive Cerebellar Ataxia; SYNE1 Deficiency; Spinocerebellar ataxia, autosomal recessive 8; ATAXIA, RECESSIVE, OF BEAUCE. Identifiers: Orphanet 88644, MedGen C1853116, MONDO:0012549, OMIM 610743.

Allele frequency attached by ClinVar (database versions not stated): gnomAD 0.00001.
gnomAD v4.1: 5 of 1,563,568 alleles (0.00032%); highest among the groups gnomAD compares: Admixed American, 0.0084%; no homozygotes.

Submission:

Labcorp Genetics (formerly Invitae), Labcorp
Classification: Uncertain significance for Emery-Dreifuss muscular dystrophy 4, autosomal dominant; Autosomal recessive ataxia, Beauce type. Last evaluated: 2022-08-22. Review status: criteria provided, single submitter. Criteria: Invitae Variant Classification Sherloc (09022015). Collection method: clinical testing. Allele origin: germline.
Comment: In summary, the available evidence is currently insufficient to determine the role of this variant in disease. Therefore, it has been classified as a Variant of Uncertain Significance. Variants that disrupt the consensus splice site are a relatively common cause of aberrant splicing (PMID: 17576681, 9536098). Algorithms developed to predict the effect of sequence changes on RNA splicing suggest that this variant is not likely to affect RNA splicing. This variant has not been reported in the literature in individuals affected with SYNE1-related conditions. This variant is present in population databases (no rsID available, gnomAD 0.003%). This sequence change falls in intron 112 of the SYNE1 gene. It does not directly change the encoded amino acid sequence of the SYNE1 protein. It affects a nucleotide within the consensus splice site.

Literature cited by the submitters: PubMed 17576681; PubMed 9536098.